The following is an entry in ClinVar:

NM_182925.5(FLT4):c.2596G>A (p.Gly866Ser)

Gene: FLT4 (fms related receptor tyrosine kinase 4; minus strand). Cytogenetic location: 5q35.3.
Variant type: single nucleotide variant.
Coding change: c.2596G>A on transcript NM_182925.5 (MANE Select); coding-DNA position 2596, G replaced by A.
Protein change: p.Gly866Ser; replaces glycine 866 with serine.
Molecular consequence: missense variant.
Genome position (GRCh38, 1-based): chr5:180,619,716, C>T on the plus strand (G>A on the coding strand, the complement: FLT4 is on the minus strand). VCF-style: chr5-180619716-C-T. GRCh37 (hg19) VCF-style: chr5-180046716-C-T.
Other names: c.2596G>A, p.Gly866Ser (NM_001354989.2, NM_002020.5); short protein forms G866S.
Identifiers: ClinVar variation 3377125 (VCV003377125.1).
Genomic context (GRCh38, chr5:180,619,716, plus strand): 5'-ACCCCACACCTTTCAGCATTTTCACGGCCACGGTGTCACAGCTGCTGCCCTTGTGGATGC[C>T]GAAAGCGGAGGCTTCCACCACCTTCCCGAAGGCGCCGTAGCCGAGCACTCTCCCTGTCGG-3'
Protein context (NP_891555.2, residues 856-876): FGKVVEASAF[Gly866Ser]IHKGSSCDTV

ClinVar aggregate classification (germline): Uncertain significance (1 of 4 stars; one submission).

Conditions:
Hereditary lymphedema type I (LMPHM1). Also called: Nonne-Milroy disease; Congenital hereditary lymphedema; Early onset lymphedema; Hereditary lymphedema 1; Primary congenital lymphedema; Meige's disease. Identifiers: Orphanet 79452, MedGen C1704423, MONDO:0007919, OMIM 153100.

gnomAD v4.1: 11 of 1,612,552 alleles (0.00068%); highest among the groups gnomAD compares: Non-Finnish European, 0.00093%; no homozygotes.

Submission:

Victorian Clinical Genetics Services, Murdoch Childrens Research Institute
Classification: Uncertain significance for Hereditary lymphedema type I. Last evaluated: 2024-10-08. Review status: criteria provided, single submitter. Criteria: ACMG Guidelines, 2015. Collection method: clinical testing. Allele origin: germline. Inheritance: Autosomal dominant inheritance. Affected: yes.
Comment: Based on the classification scheme VCGS_Germline_v1.3.4, this variant is classified as VUS-3B. Following criteria are met: 0103 - Dominant negative and loss of function are known mechanisms of disease in this gene and are associated with lymphatic malformation 1 (MIM#153100) and multiple types congenital heart defects 7 (MIM#618780), respectively (PMIDs: 20301417, 30232381). (I) 0107 - This gene is associated with autosomal dominant disease. (I) 0112 - The condition associated with this gene has incomplete penetrance. Incomplete penetrance has been reported for both phenotypes associated with this gene (PMIDs: 30232381, 30582441, 20301417). (I) 0115 - Variants in this gene are known to have variable expressivity. Both interfamilial and intrafamilial variable expressivity have been reported for lymphatic malformation associated with this gene (PMID: 20301417). (I) 0200 - Variant is predicted to result in a missense amino acid change from glycine to serine. (I) 0251 - This variant is heterozygous. (I) 0302 - Variant is present in gnomAD (v3) <0.001 for a dominant condition (2 heterozygotes, 0 homozygotes). (SP) 0309 - An alternative amino acid change at the same position has been observed in gnomAD (highest allele count in v2: 2 heterozygotes, 0 homozygotes). (I) 0502 - Missense variant with conflicting in silico predictions and high conservation. (I) 0600 - Variant is located in the annotated protein tyrosine and serine/threonine kinase domain (DECIPHER). (I) 0705 - No comparable missense variants have previous evidence for pathogenicity. (I) 0807 - This variant has no previous evidence of pathogenicity. (I) 0905 - No published segregation evidence has been identified for this variant. (I) 1007 - No published functional evidence has been identified for this variant. (I) Legend: (SP) - Supporting pathogenic, (I) - Information, (SB) - Supporting benign

Literature cited by the submitters: PubMed 20301417; PubMed 30232381; PubMed 30582441.